The following is an entry in ClinVar:

NM_000455.5(STK11):c.464+5G>A

Gene: STK11 (serine/threonine kinase 11; plus strand). Cytogenetic location: 19p13.3.
Variant type: single nucleotide variant.
Coding change: c.464+5G>A on transcript NM_000455.5 (MANE Select); 5 bases into the intron after coding-DNA position 464, G replaced by A.
Molecular consequence: intron variant.
Genome position (GRCh38, 1-based): chr19:1,219,418, G>A. VCF-style: chr19-1219418-G-A. GRCh37 (hg19) VCF-style: chr19-1219417-G-A.
Identifiers: ClinVar variation 141354 (VCV000141354.82), dbSNP rs587781681, ClinGen allele CA023015.

ClinVar aggregate classification (germline): Conflicting classifications of pathogenicity. Review status: criteria provided, conflicting classifications (1 of 4 stars). 14 submissions from 14 submitters: Uncertain significance (10); Likely benign (3). 1 of the submissions does not count toward it. Last evaluated 2026-07-30.

Conditions:
STK11-related disorder. Also called: STK11-related condition.
Breast and/or ovarian cancer. Identifiers: MedGen CN221562.
Carcinoma of pancreas. Also called: Exocrine pancreatic carcinoma; Pancreatic cancer, somatic; Pancreatic carcinoma, somatic; PANCREATIC ACINAR CARCINOMA; PANCREATIC CARCINOMA. Identifiers: Orphanet 1333, Orphanet 217074, MedGen C0235974, MONDO:0005192. Disease mechanism: loss of function.
Peutz-Jeghers syndrome (PJS). Also called: Peutz-Jeghers polyposis; Periorificial lentiginosis syndrome; POLYPOSIS, HAMARTOMATOUS INTESTINAL; POLYPS-AND-SPOTS SYNDROME. Identifiers: Orphanet 2869, MedGen C0031269, MeSH D010580, MONDO:0008280, OMIM 175200.
Malignant tumor of testis. Also called: Testicular cancer. Identifiers: MedGen C0153594, MONDO:0005447.
Hereditary cancer-predisposing syndrome. Also called: Tumor predisposition; Hereditary neoplastic syndrome; Hereditary Cancer Syndrome; Neoplastic Syndromes, Hereditary. Identifiers: Orphanet 140162, MedGen C0027672, MeSH D009386, MONDO:0015356.
Malignant tumor of breast. Also called: Cancer breast; Malignant breast neoplasm. Identifiers: MedGen C0006142, MONDO:0007254. Disease mechanism: loss of function.

Allele frequency attached by ClinVar (database versions not stated): TOPMed below 0.00001; ExAC 0.00002; gnomAD 0.00002; gnomAD exomes 0.00002.

Submissions (15):

PreventionGenetics, part of Exact Sciences
Classification: Uncertain significance for STK11-related condition. Last evaluated: 2026-07-30. Review status: criteria provided, single submitter. Criteria: ACMG Guidelines, 2015. Collection method: clinical testing. Allele origin: germline.
Comment: The STK11 c.464+5G>A variant is predicted to interfere with splicing. This variant is predicted to alter splicing based on available splicing prediction programs (SpliceAI, Jaganathan et al. 2019. PubMed ID: 30661751). However, the use of computer prediction programs is not equivalent to functional evidence. This variant has been reported in an individual with breast cancer (de Oliveira et al. 2022. PubMed ID: 35534704). This variant is reported in 0.0052% of alleles in individuals of European (Non-Finnish) descent in gnomAD and it has conflicting interpretations in ClinVar ranging from uncertain to likely benign (Variation ID: 141354). Although we suspect that this variant may be benign, at this time, the clinical significance of this variant is uncertain due to the absence of conclusive functional and genetic evidence.

Labcorp Genetics (formerly Invitae), Labcorp
Classification: Likely benign for Peutz-Jeghers syndrome. Last evaluated: 2026-01-28. Review status: criteria provided, single submitter. Criteria: Invitae Variant Classification Sherloc (09022015). Collection method: clinical testing. Allele origin: germline.

Color Diagnostics, LLC DBA Color Health
Classification: Uncertain significance for Hereditary cancer-predisposing syndrome. Last evaluated: 2025-09-09. Review status: criteria provided, single submitter. Criteria: ACMG Guidelines, 2015. Collection method: clinical testing. Allele origin: germline.
Comment: This variant causes a G to A nucleotide substitution at the +5 position of intron 3 of the STK11 gene. Splice site prediction tools predict that this variant may impact RNA splicing, although this prediction has not been confirmed in published RNA studies. This variant has not been reported in individuals affected with STK11-related disorders in the literature. This variant has been identified in 5/218862 chromosomes in the general population by the Genome Aggregation Database (gnomAD). The available evidence is insufficient to determine the role of this variant in disease conclusively. Therefore, this variant is classified as a Variant of Uncertain Significance.

Quest Diagnostics Nichols Institute San Juan Capistrano
Classification: Uncertain significance. Last evaluated: 2025-08-28. Review status: criteria provided, single submitter. Criteria: Quest Diagnostics criteria. Collection method: clinical testing. Allele origin: unknown.
Comment: The STK11 c.464+5G>A variant has been reported in the published literature in an individual with breast cancer (PMID: 35534704 (2022)). The frequency of this variant in the general population (Genome Aggregation Database) is higher than would generally be expected for pathogenic variants in this gene. Analysis of this variant using software algorithms for the prediction of the effect of nucleotide changes on splicing yielded predictions that this variant may affect proper STK11 mRNA splicing. Based on the available information, we are unable to determine the clinical significance of this variant.

GeneDx
Classification: Uncertain significance. Last evaluated: 2025-07-03. Review status: criteria provided, single submitter. Criteria: GeneDx Variant Classification Process June 2021. Collection method: clinical testing. Allele origin: germline. Affected: yes.
Comment: Intronic +5 splice site variant predicted to result in abnormal splicing leading to an in-frame deletion of exon 3; Not observed at significant frequency in large population cohorts (gnomAD); This variant is associated with the following publications: (PMID: 15863673, 35534704)

Molecular Pathology, Peter Maccallum Cancer Centre
Classification: Uncertain significance for Peutz-Jeghers syndrome. Last evaluated: 2025-02-11. Review status: criteria provided, single submitter. Criteria: ACMG Guidelines, 2015. Collection method: clinical testing. Allele origin: germline. Inheritance: Autosomal dominant inheritance.

Women's Health and Genetics/Laboratory Corporation of America, LabCorp
Classification: Likely benign. Last evaluated: 2024-03-19. Review status: criteria provided, single submitter. Criteria: LabCorp Variant Classification Summary - May 2015. Collection method: clinical testing. Allele origin: germline.
Comment: Variant summary: STK11 c.464+5G>A alters a conserved nucleotide located close to a canonical splice site and therefore could affect mRNA splicing, leading to a significantly altered protein sequence. Several computational tools predict a significant impact on normal splicing: Two predict the variant abolishes the canonical 5' splicing donor site. Two predict the variant weakens the canonical 5' donor site. However, these predictions have yet to be confirmed by functional studies. The variant allele was found at a frequency of 2.1e-05 in 1576020 control chromosomes. The observed variant frequency is approximately 3.35 fold of the estimated maximal expected allele frequency for a pathogenic variant in STK11 causing Peutz-Jeghers Syndrome phenotype (6.3e-06), strongly suggesting that the variant is benign. c.464+5G>A has been reported in the literature as a VUS in settings of multigene panel testing in an individual with a personal and family history of Breast and/or Colorectal cancer (example, de Oliveira_2022). These report(s) do not provide unequivocal conclusions about association of the variant with Peutz-Jeghers Syndrome. To our knowledge, no experimental evidence demonstrating an impact on protein function has been reported. The following publication have been ascertained in the context of this evaluation (PMID: 35534704). ClinVar contains an entry for this variant (Variation ID: 141354). Based on the evidence outlined above, the variant was classified as likely benign.

CHEO Genetics Diagnostic Laboratory, Children's Hospital of Eastern Ontario
Classification: Uncertain significance for Breast and/or ovarian cancer. Last evaluated: 2023-01-03. Review status: criteria provided, single submitter. Criteria: ACMG Guidelines, 2015. Collection method: clinical testing. Allele origin: germline.

Ambry Genetics
Classification: Likely benign for Hereditary cancer-predisposing syndrome. Last evaluated: 2022-03-22. Review status: criteria provided, single submitter. Criteria: Ambry Variant Classification Scheme 2023. Collection method: clinical testing. Allele origin: germline.

Genome-Nilou Lab
Classification: Uncertain significance for Peutz-Jeghers syndrome. Last evaluated: 2021-07-15. Review status: criteria provided, single submitter. Criteria: ACMG Guidelines, 2015. Collection method: clinical testing. Allele origin: germline. Affected: no.

ARUP Laboratories, Molecular Genetics and Genomics, ARUP Laboratories
Classification: Uncertain significance. Last evaluated: 2020-02-09. Review status: criteria provided, single submitter. Criteria: ARUP Molecular Germline Variant Investigation Process. Collection method: clinical testing. Allele origin: germline.

CeGaT Center for Human Genetics Tuebingen
Classification: Uncertain significance. Last evaluated: 2019-05-01. Review status: criteria provided, single submitter. Criteria: CeGaT Center For Human Genetics Tuebingen Variant Classification Criteria Version 2. Collection method: clinical testing. Allele origin: germline. Affected: yes. Observed: 1 variant allele.

Fulgent Genetics
Classification: Uncertain significance for Peutz-Jeghers syndrome; Familial pancreatic carcinoma; Germ cell tumor of testis. Last evaluated: 2018-10-31. Review status: criteria provided, single submitter. Criteria: ACMG Guidelines, 2015. Collection method: clinical testing. Allele origin: unknown.

Department of Pathology and Laboratory Medicine, Sinai Health System
Classification: Uncertain significance for Malignant tumor of breast. Review status: no assertion criteria provided. Collection method: clinical testing. Allele origin: unknown. Affected: yes. Study: The Canadian Open Genetics Repository (COGR). Not counted in ClinVar's aggregate classification.
Comment: The STK11 c.464+5G>A variant was not identified in the literature nor was it identified in the Cosmic, MutDB, LOVD 3.0, Zhejiang University Database, or Insight Hereditary Tumors Database. The variant was identified in dbSNP (ID: rs587781681) as â€šÃ„ÃºWith Uncertain significance alleleâ€šÃ„Ã¹, in ClinVar (classified as uncertain significance by Ambry Genetics, GeneDx, Invitae and Color Genomics Inc.), Clinvitae (3x), and in control databases in 5 of 213708 chromosomes at a frequency of 0.00002 (Genome Aggregation Database Feb 27, 2017). Breakdown of the observations by population includes European Non-Finnish in 5 of 93184 chromosomes (freq: 0.00005) while not observed in the African, Other, Latino, Ashkenazi Jewish, East Asian, Finnish, and South Asian populations. The c.464+5G>A variant is located in the 5' splice region but does not affect the invariant +1 and +2 positions. However, positions +3 to +6 are part of the splicing consensus sequence and variants involving these positions sometimes affect splicing. In addition, 5 of 5 in silico or computational prediction software programs (SpliceSiteFinder, MaxEntScan, NNSPLICE, GeneSplicer, HumanSpliceFinder) predict a greater than 10% difference in splicing. However, this information is not predictive enough to assume pathogenicity. In summary, based on the above information the clinical significance of this variant cannot be determined with certainty at this time. This variant is classified as a variant of uncertain significance.

Dr. Peter K. Rogan Lab, Western University
No classification provided (evidence only). Condition: Gastric cancer. Review status: no classification provided. Collection method: in vitro. Allele origin: not applicable. Functional consequence: retained intron. Not counted in ClinVar's aggregate classification.

Literature cited by the submitters: PubMed 35534704 (cited by Quest Diagnostics Nichols Institute San Juan Capistrano and Women's Health and Genetics/Laboratory Corporation of America, LabCorp).